The following is an entry in ClinVar:

NM_001904.4(CTNNB1):c.1255T>C (p.Cys419Arg)

Genes: CTNNB1 (catenin beta 1; plus strand), LOC126806659 (BRD4-independent group 4 enhancer GRCh37_chr3:41274918-41276117; plus strand). Cytogenetic location: 3p22.1.
Variant type: single nucleotide variant.
Coding change: c.1255T>C on transcript NM_001904.4 (MANE Select); coding-DNA position 1255, T replaced by C.
Protein change: p.Cys419Arg; replaces cysteine 419 with arginine.
Molecular consequence: missense variant.
Genome position (GRCh38, 1-based): chr3:41,233,598, T>C. VCF-style: chr3-41233598-T-C. GRCh37 (hg19) VCF-style: chr3-41275089-T-C.
Other names: c.1255T>C, p.Cys419Arg (NM_001098209.2, NM_001098210.2); c.1234T>C, p.Cys412Arg (NM_001330729.2); short protein forms C412R, C419R.
Identifiers: ClinVar variation 3731488 (VCV003731488.1).

ClinVar aggregate classification (germline): Uncertain significance (1 of 4 stars; one submission).

Conditions:
Severe intellectual disability-progressive spastic diplegia syndrome (NEDSDV). Also called: NEURODEVELOPMENTAL DISORDER WITH SPASTIC DIPLEGIA AND VISUAL DEFECTS; CTNNB1 Neurodevelopmental Disorder. Identifiers: Orphanet 404473, MedGen C3554449, MONDO:0014035, OMIM 615075.

Submission:

Neuberg Centre For Genomic Medicine, NCGM
Classification: Uncertain significance for Severe intellectual disability-progressive spastic diplegia syndrome. Last evaluated: 2023-06-22. Review status: criteria provided, single submitter. Criteria: ACMG Guidelines, 2015. Collection method: clinical testing. Allele origin: germline. Inheritance: Autosomal dominant inheritance. Affected: yes.
Comment: The observed missense c.1255T>C(p.Cys419Arg) variant in CTNNB1 gene has not been reported previously as a pathogenic variant nor as a benign variant, to our knowledge. This variant is absent in gnomAD Exomes. The amino acid Cys at position 419 is changed to a Arg changing protein sequence and it might alter its composition and physico-chemical properties. The amino acid change p.Cys419Arg in CTNNB1 is predicted as conserved by GERP++ and PhyloP across 100 vertebrates. Multiple lines of computational evidence (Polyphen - Damaging, SIFT - Damaging, and MutationTaster - Disease causing) predict a damaging effect on protein structure and function for this variant. For these reasons, this variant has been classified as Uncertain Significance.